The following is an entry in ClinVar:

NM_001001957.2(OR2W3):c.764T>C (p.Ile255Thr)

Gene: OR2W3 (olfactory receptor family 2 subfamily W member 3; plus strand). Cytogenetic location: 1q44.
Variant type: single nucleotide variant.
Coding change: c.764T>C on transcript NM_001001957.2 (MANE Select); coding-DNA position 764, T replaced by C.
Protein change: p.Ile255Thr; replaces isoleucine 255 with threonine.
Molecular consequence: missense variant.
Genome position (GRCh38, 1-based): chr1:247,896,350, T>C. VCF-style: chr1-247896350-T-C. GRCh37 (hg19) VCF-style: chr1-248059652-T-C.
Other names: short protein forms I255T.
Identifiers: ClinVar variation 2134547 (VCV002134547.4), dbSNP rs1162830689, ClinGen allele CA345595917.
Genomic context (GRCh38, chr1:247,896,350, plus strand): 5'-AGAAGGCCTTCGGCACCTGCGGCTCCCATCTCACTGTGGTCTCCCTTTTCTATGGAAACA[T>C]CATCTACATGTACATGCAGCCAGGAGCCAGTTCTTCCCAGGACCAGGGCATGTTCCTCAT-3'
Protein context (NP_001001957.2, residues 245-265): LTVVSLFYGN[Ile255Thr]IYMYMQPGAS

ClinVar aggregate classification (germline): Uncertain significance (1 of 4 stars; one submission).

Allele frequency attached by ClinVar (database versions not stated): TOPMed below 0.00001; gnomAD exomes 0.00001.

Submission:

Labcorp Genetics (formerly Invitae), Labcorp
Classification: Uncertain significance. Last evaluated: 2024-08-13. Review status: criteria provided, single submitter. Criteria: Invitae Variant Classification Sherloc (09022015). Collection method: clinical testing. Allele origin: germline.
Comment: This sequence change replaces isoleucine, which is neutral and non-polar, with threonine, which is neutral and polar, at codon 255 of the OR2W3 protein (p.Ile255Thr). This variant is present in population databases (no rsID available, gnomAD 0.009%). This variant has not been reported in the literature in individuals affected with OR2W3-related conditions. ClinVar contains an entry for this variant (Variation ID: 2134547). An algorithm developed to predict the effect of missense changes on protein structure and function (PolyPhen-2) suggests that this variant is likely to be disruptive. In summary, the available evidence is currently insufficient to determine the role of this variant in disease. Therefore, it has been classified as a Variant of Uncertain Significance.